The following is an entry in ClinVar:

ClinVar aggregate classification (germline): Benign/Likely benign. Review status: criteria provided, multiple submitters, no conflicts (2 of 4 stars). 2 submissions from 2 submitters: Benign (1); Likely benign (1). Last evaluated 2025-12-07.

Conditions:
LSR-related condition.

Allele frequency attached by ClinVar (database versions not stated): gnomAD exomes 0.00009; ExAC 0.00031; ESP Exome Variant Server 0.00077; gnomAD 0.00080; TOPMed 0.00095; 1000 Genomes Project 0.00100; 1000 Genomes Project 30x 0.00141.
gnomAD v4.1: 249 of 1,612,434 alleles (0.015%); highest among the groups gnomAD compares: African/African-American, 0.3%; no homozygotes.

Submissions (2):

PreventionGenetics, part of Exact Sciences
Classification: Likely benign for LSR-related condition. Last evaluated: 2025-12-07. Review status: criteria provided, single submitter. Criteria: ACMG Guidelines, 2015. Collection method: clinical testing. Allele origin: germline.
Comment: This variant is classified as likely benign based on ACMG/AMP sequence variant interpretation guidelines (Richards et al. 2015 PMID: 25741868, with internal and published modifications).

Labcorp Genetics (formerly Invitae), Labcorp
Classification: Benign. Last evaluated: 2023-10-24. Review status: criteria provided, single submitter. Criteria: Invitae Variant Classification Sherloc (09022015). Collection method: clinical testing. Allele origin: germline.

NM_205834.4(LSR):c.1653G>A (p.Gly551=)

Gene: LSR (lipolysis stimulated lipoprotein receptor; plus strand). Cytogenetic location: 19q13.12.
Variant type: single nucleotide variant.
Coding change: c.1653G>A on transcript NM_205834.4 (MANE Select); coding-DNA position 1653, G replaced by A.
Protein change: p.Gly551=; no amino-acid change (glycine 551 retained).
Molecular consequence: synonymous variant.
Genome position (GRCh38, 1-based): chr19:35,267,617, G>A. VCF-style: chr19-35267617-G-A. GRCh37 (hg19) VCF-style: chr19-35758520-G-A.
Other names: c.1797G>A (NM_205834.3); c.1593G>A, p.Gly531= (NM_001260489.2); c.1329G>A, p.Gly443= (NM_001260490.2); c.1446G>A, p.Gly482= (NM_001385215.1); c.1596G>A, p.Gly532= (NM_015925.7); c.1449G>A, p.Gly483= (NM_205835.4).
Identifiers: ClinVar variation 2716282 (VCV002716282.4), dbSNP rs140932263, ClinGen allele CA9375162.